The following is an entry in ClinVar:

ClinVar aggregate classification (germline): Uncertain significance (1 of 4 stars; one submission).

Conditions:
Cardiovascular phenotype. Identifiers: MedGen CN230736.

Submission:

Ambry Genetics
Classification: Uncertain significance for Cardiovascular phenotype. Last evaluated: 2026-07-02. Review status: criteria provided, single submitter. Criteria: Ambry Variant Classification Scheme 2023. Collection method: clinical testing. Allele origin: germline.
Comment: The p.G2927R variant (also known as c.8779G>A), located in coding exon 26 of the APOB gene, results from a G to A substitution at nucleotide position 8779. The glycine at codon 2927 is replaced by arginine, an amino acid with dissimilar properties. This amino acid position is conserved. In addition, this alteration is predicted to be tolerated by in silico analysis. Based on the available evidence, the clinical significance of this variant remains unclear.

NM_000384.3(APOB):c.8779G>A (p.Gly2927Arg)

Gene: APOB (apolipoprotein B; minus strand). Cytogenetic location: 2p24.1.
Variant type: single nucleotide variant.
Coding change: c.8779G>A on transcript NM_000384.3 (MANE Select); coding-DNA position 8779, G replaced by A.
Protein change: p.Gly2927Arg; replaces glycine 2927 with arginine.
Molecular consequence: missense variant.
Genome position (GRCh38, 1-based): chr2:21,008,089, C>T on the plus strand (G>A on the coding strand, the complement: APOB is on the minus strand). VCF-style: chr2-21008089-C-T. GRCh37 (hg19) VCF-style: chr2-21230961-C-T.
Other names: short protein forms G2927R.
Identifiers: ClinVar variation 5027453 (VCV005027453.1).